The following is an entry in ClinVar:

ClinVar aggregate classification (germline): Uncertain significance (1 of 4 stars; one submission).

Submission:

Labcorp Genetics (formerly Invitae), Labcorp
Classification: Uncertain significance. Last evaluated: 2023-11-19. Review status: criteria provided, single submitter. Criteria: Invitae Variant Classification Sherloc (09022015). Collection method: clinical testing. Allele origin: germline.
Comment: This sequence change replaces glutamine, which is neutral and polar, with arginine, which is basic and polar, at codon 570 of the IL12RB2 protein (p.Gln570Arg). This variant is not present in population databases (gnomAD no frequency). This variant has not been reported in the literature in individuals affected with IL12RB2-related conditions. Algorithms developed to predict the effect of missense changes on protein structure and function output the following: SIFT: "Not Available"; PolyPhen-2: "Benign"; Align-GVGD: "Not Available". The arginine amino acid residue is found in multiple mammalian species, which suggests that this missense change does not adversely affect protein function. In summary, the available evidence is currently insufficient to determine the role of this variant in disease. Therefore, it has been classified as a Variant of Uncertain Significance.

NM_001374259.2(IL12RB2):c.1709A>G (p.Gln570Arg)

Gene: IL12RB2 (interleukin 12 receptor subunit beta 2; plus strand). Cytogenetic location: 1p31.3.
Variant type: single nucleotide variant.
Coding change: c.1709A>G on transcript NM_001374259.2 (MANE Select); coding-DNA position 1709, A replaced by G.
Protein change: p.Gln570Arg; replaces glutamine 570 with arginine.
Molecular consequence: missense variant. On other transcripts: non-coding transcript variant (1), intron variant (1).
Genome position (GRCh38, 1-based): chr1:67,372,775, A>G. VCF-style: chr1-67372775-A-G. GRCh37 (hg19) VCF-style: chr1-67838458-A-G.
Other names: c.1709A>G, p.Gln570Arg (NM_001258214.1, NM_001258216.1, NM_001319233.1 and 1 more transcripts); c.1459+4750A>G (NM_001258215.1); short protein forms Q570R.
Identifiers: ClinVar variation 2697369 (VCV002697369.3), dbSNP rs2523275080, ClinGen allele CA340730322.